The following is an entry in ClinVar:

ClinVar aggregate classification (germline): Pathogenic. Review status: criteria provided, multiple submitters, no conflicts (2 of 4 stars). 20 submissions from 20 submitters: Pathogenic (18). 2 of the submissions do not count toward it. Last evaluated 2025-11-05.

Conditions:
Multiple endocrine neoplasia type 2A. Also called: MULTIPLE ENDOCRINE NEOPLASIA, TYPE IIA; PTC SYNDROME; SIPPLE SYNDROME; MEN 2A; MEN-2A syndrome; Pheochromocytoma and amyloid producing medullary thyroid carcinoma. Identifiers: Orphanet 247698, Orphanet 653, MedGen C0025268, MeSH D018813, MONDO:0008234, OMIM 171400.
Pheochromocytoma. Also called: MAX-Related Hereditary Paraganglioma-Pheochromocytoma Syndrome. Identifiers: Orphanet 29072, MedGen C0031511, MONDO:0008233, OMIM 171300, HP:0002666.
Familial medullary thyroid carcinoma (MTC). Also called: Thyroid cancer, familial medullary; MTC, familial; Familial Medullary Thyroid Carcinoma (FMTC). Identifiers: Orphanet 653, Orphanet 99361, MedGen C1833921, MONDO:0007958, OMIM 155240.
Multiple endocrine neoplasia type 2B. Also called: MEN 2B; Multiple endocrine neoplasia, type 3; MULTIPLE ENDOCRINE NEOPLASIA, TYPE IIB; MUCOSAL NEUROMA SYNDROME; NEUROMATA, MUCOSAL, WITH ENDOCRINE TUMORS; WAGENMANN-FROBOESE SYNDROME. Identifiers: Orphanet 247709, Orphanet 653, MedGen C0025269, MeSH D018814, MONDO:0008082, OMIM 162300.
Hirschsprung disease, susceptibility to, 1 (HSCR1). Also called: RET-Related Hirschsprung Disease. Identifiers: Orphanet 388, MedGen C3888239, MONDO:0007723, OMIM 142623.
Multiple endocrine neoplasia. Identifiers: Orphanet 276161, MedGen C0027662, MONDO:0017169.
RET-related disorder. Also called: RET-related condition; RET-related disease; RET-related disorders.
Hereditary cancer-predisposing syndrome. Also called: Neoplastic Syndromes, Hereditary; Tumor predisposition; Hereditary neoplastic syndrome; Hereditary Cancer Syndrome. Identifiers: Orphanet 140162, MedGen C0027672, MeSH D009386, MONDO:0015356.
Multiple endocrine neoplasia, type 2 (MEN2). Identifiers: Orphanet 653, MedGen C4048306, MONDO:0019003. Disease mechanism: gain of function.

Allele frequency attached by ClinVar (database versions not stated): TOPMed 0.00001.
gnomAD v4.1: 21 of 1,605,504 alleles (0.0013%); highest among the groups gnomAD compares: Non-Finnish European, 0.0014%; no homozygotes.

Submissions 1 to 8 of 20:

Labcorp Genetics (formerly Invitae), Labcorp
Classification: Pathogenic for Multiple endocrine neoplasia, type 2. Last evaluated: 2025-11-05. Review status: criteria provided, single submitter. Criteria: Invitae Variant Classification Sherloc (09022015). Collection method: clinical testing. Allele origin: germline.
Comment: This sequence change replaces valine, which is neutral and non-polar, with leucine, which is neutral and non-polar, at codon 804 of the RET protein (p.Val804Leu). The frequency data for this variant in the population databases is considered unreliable, as metrics indicate poor data quality at this position in the gnomAD database. This missense change has been observed in individual(s) with medullary thyroid carcinoma and/or pheochromocytoma (PMID: 7784092, 10235148, 15741265, 16343097, 18058472, 18062802, 19469690, 21626080, 25810047, 26269449). It has also been observed to segregate with disease in related individuals. ClinVar contains an entry for this variant (Variation ID: 13946). An algorithm developed to predict the effect of missense changes on protein structure and function (PolyPhen-2) suggests that this variant is likely to be disruptive. Experimental studies have shown that this missense change affects RET function (PMID: 9242375, 16507829, 26046350). This variant disrupts the p.Val804 amino acid residue in RET. Other variant(s) that disrupt this residue have been determined to be pathogenic (PMID: 8797874, 9452077, 10876191). This suggests that this residue is clinically significant, and that variants that disrupt this residue are likely to be disease-causing. For these reasons, this variant has been classified as Pathogenic.

Institute of Human Genetics, Heidelberg University
Classification: Pathogenic for Multiple endocrine neoplasia type 2A; Multiple endocrine neoplasia type 2B. Last evaluated: 2025-09-03. Review status: criteria provided, single submitter. Criteria: ACMG Guidelines, 2015. Collection method: clinical testing. Allele origin: maternal. Affected: no. Observed: 2 variant alleles.
Comment: PS1, PS3, PS4, PM1, PM5, PP1, PP3

CeGaT Center for Human Genetics Tuebingen
Classification: Pathogenic. Last evaluated: 2025-08-01. Review status: criteria provided, single submitter. Criteria: CeGaT Center For Human Genetics Tuebingen Variant Classification Criteria Version 2. Collection method: clinical testing. Allele origin: germline. Affected: yes. Observed: 1 variant allele.
Comment: RET: PS4, PM5, PP1:Moderate, PS3:Moderate

Color Diagnostics, LLC DBA Color Health
Classification: Pathogenic for Multiple endocrine neoplasia, type 2. Last evaluated: 2025-05-14. Review status: criteria provided, single submitter. Criteria: ACMG Guidelines, 2015. Collection method: clinical testing. Allele origin: germline.
Comment: This missense variant replaces valine with leucine at codon 804 of the RET protein. Computational prediction suggests that this variant may have deleterious impact on protein structure and function. Functional studies have reported that this variant resulted in intermediate level of transforming activity on ex vivo transfected cells (PMID: 9242375, 10445857) and to confer resistance to select kinase inhibitors (PMID: 26046350, 26046350). This variant has been reported in dozens of heterozygous individuals affected with medullary thyroid cancer (PMID: 7784092, 10235148, 11932300, 12694233, 15741265, 20516206, 21626080) and one homozygous carrier affected with medullary thyroid cancer and pheochromocytoma (PMID: 15741265). This variant is also reported to segregate with disease in multiple families (PMID: 10235148, 11932300). This variant is reported to confer moderate risk for medullary thyroid cancer (PMID: 25810047). This variant has been identified in 1/232600 chromosomes in the general population by the Genome Aggregation Database (gnomAD). Based on the available evidence, this variant is classified as Pathogenic.

Ambry Genetics
Classification: Pathogenic for Hereditary cancer-predisposing syndrome. Last evaluated: 2025-03-13. Review status: criteria provided, single submitter. Criteria: Ambry Variant Classification Scheme 2023. Collection method: clinical testing. Allele origin: germline.
Comment: The p.V804L pathogenic mutation (also known as c.2410G>T), located in coding exon 14 of the RET gene, results from a G to T substitution at nucleotide position 2410. The valine at codon 804 is replaced by leucine, an amino acid with highly similar properties. This variant was reported in individual(s) with features consistent with multiple endocrine neoplasia type 2 (Lombardo F et al. J Clin Endocrinol Metab, 2002 Apr;87:1674-80; Martins-Costa MC et al. Arch Endocrinol Metab, 2018;62:623-635). Additionally, this alteration was detected in conjunction with a second RET alteration, pVal648Ile, in another individual with features of MEN2A, including pheochromocytoma and medullary thyroid cancer (Verrienti A et al. Endocr Pract, 2015 Nov;21:1248-54). This alteration occurs in the ATP binding pocket of the tyrosine-kinase domain of the RET receptor, and has been reported as a pathogenic mutation associated with both FMTC and MEN2A (Toledo SP et al. Clinics (Sao Paulo) 2006 Feb; 61(1):59-70; Raue F et al. Fam. Cancer 2010 Sep; 9(3):449-57). Functional studies demonstrate that p.V804L transfected cells exhibit an increase in the level of tyrosine phosphorylation compared to wildtype in one RET isoform, supporting its oncogenic potential (Pasini A et al. Oncogene 1997 Jul;15(4):393-402). In addition, expression studies demonstrate that p.V804L has a low transforming activity compared to other RET mutations. Transforming activity is associated with clinical phenotype; mutations with low transforming activity are associated with a milder MEN2/FMTC phenotype compared to mutations with high transforming activity that are associated with a more severe MEN2B phenotype (Iwashita T et al. Oncogene 1999 Jul;18(26):3919-22). This amino acid position is highly conserved in available vertebrate species. In addition, this alteration is predicted to be deleterious by in silico analysis. The American Thyroid Association Guidelines Task Force has provided recommendations for individuals with RET gene mutations (Kloos et al. Thyroid. 2009 June; 19(6):565-612). Based on the supporting evidence, this alteration is pathogenic for MEN2; however, the association of this alteration with Hirschsprung disease is unknown.

Molecular Pathology, Peter Maccallum Cancer Centre
Classification: Pathogenic for Multiple endocrine neoplasia, type 2. Last evaluated: 2025-03-07. Review status: criteria provided, single submitter. Criteria: ACMG Guidelines, 2015. Collection method: clinical testing. Allele origin: germline. Inheritance: Autosomal dominant inheritance.

Blueprint Genetics
Classification: Pathogenic for RET-related disorders. Last evaluated: 2024-03-08. Review status: criteria provided, single submitter. Criteria: ACMG Guidelines, 2015. Collection method: clinical testing. Allele origin: germline. Affected: yes. Observed: 2 variant alleles.

Department of Pathology and Laboratory Medicine, Sinai Health System
Classification: Pathogenic for Hirschsprung disease, susceptibility to, 1; Familial medullary thyroid carcinoma; Multiple endocrine neoplasia type 2B; Pheochromocytoma; Multiple endocrine neoplasia type 2A. Last evaluated: 2024-01-16. Review status: criteria provided, single submitter. Criteria: ACMG Guidelines, 2015. Collection method: clinical testing. Allele origin: germline.

NM_020975.6(RET):c.2410G>T (p.Val804Leu)

Gene: RET (ret proto-oncogene; plus strand). Cytogenetic location: 10q11.21.
Variant type: single nucleotide variant.
Coding change: c.2410G>T on transcript NM_020975.6 (MANE Select); coding-DNA position 2410, G replaced by T.
Protein change: p.Val804Leu; replaces valine 804 with leucine.
Molecular consequence: missense variant.
Genome position (GRCh38, 1-based): chr10:43,119,548, G>T. VCF-style: chr10-43119548-G-T. GRCh37 (hg19) VCF-style: chr10-43614996-G-T.
Other names: c.2275G>T, p.Val759Leu (NM_001406765.1, NM_001406763.1); c.2122G>T, p.Val708Leu (NM_001406766.1, NM_001406767.1, NM_001406770.1); c.2146G>T, p.Val716Leu (NM_001406768.1); c.2014G>T, p.Val672Leu (NM_001406769.1, NM_001406772.1); c.1972G>T, p.Val658Leu (NM_001406771.1, NM_001406773.1); c.1885G>T, p.Val629Leu (NM_001406774.1); c.1420G>T, p.Val474Leu (NM_001406784.1); c.1393G>T, p.Val465Leu (NM_001406785.1); and 10 more; short protein forms V804L, V550L, V409L, V460L, V658L, V321L, V629L, V672L.
Identifiers: ClinVar variation 13946 (VCV000013946.53), dbSNP rs79658334, ClinGen allele CA008766.